The following is an entry in ClinVar:

NM_015570.4(AUTS2):c.2696A>C (p.Glu899Ala)

Gene: AUTS2 (activator of transcription and developmental regulator AUTS2; plus strand). Cytogenetic location: 7q11.22.
Variant type: single nucleotide variant.
Coding change: c.2696A>C on transcript NM_015570.4 (MANE Select); coding-DNA position 2696, A replaced by C.
Protein change: p.Glu899Ala; replaces glutamic acid 899 with alanine.
Molecular consequence: missense variant.
Genome position (GRCh38, 1-based): chr7:70,789,912, A>C. VCF-style: chr7-70789912-A-C. GRCh37 (hg19) VCF-style: chr7-70254898-A-C.
Other names: c.2624A>C, p.Glu875Ala (NM_001127231.3); short protein forms E875A, E899A.
Identifiers: ClinVar variation 3709570 (VCV003709570.2).

ClinVar aggregate classification (germline): Uncertain significance (1 of 4 stars; one submission).

Submission:

Labcorp Genetics (formerly Invitae), Labcorp
Classification: Uncertain significance. Last evaluated: 2024-11-27. Review status: criteria provided, single submitter. Criteria: Invitae Variant Classification Sherloc (09022015). Collection method: clinical testing. Allele origin: germline.
Comment: This sequence change replaces glutamic acid, which is acidic and polar, with alanine, which is neutral and non-polar, at codon 899 of the AUTS2 protein (p.Glu899Ala). This variant is not present in population databases (gnomAD no frequency). This variant has not been reported in the literature in individuals affected with AUTS2-related conditions. Invitae Evidence Modeling of protein sequence and biophysical properties (such as structural, functional, and spatial information, amino acid conservation, physicochemical variation, residue mobility, and thermodynamic stability) indicates that this missense variant is not expected to disrupt AUTS2 protein function with a negative predictive value of 80%. In summary, the available evidence is currently insufficient to determine the role of this variant in disease. Therefore, it has been classified as a Variant of Uncertain Significance.